The following is an entry in ClinVar:

ClinVar aggregate classification (germline): Likely benign (1 of 4 stars; one submission).

Conditions:
JAG2-related disorder. Also called: JAG2-related condition.

gnomAD v4.1: 128 of 1,596,418 alleles (0.008%); highest among the groups gnomAD compares: Admixed American, 0.2%; no homozygotes.

Submission:

PreventionGenetics, part of Exact Sciences
Classification: Likely benign for JAG2-related condition. Last evaluated: 2024-12-04. Review status: criteria provided, single submitter. Criteria: ACMG Guidelines, 2015. Collection method: clinical testing. Allele origin: germline.
Comment: This variant is classified as likely benign based on ACMG/AMP sequence variant interpretation guidelines (Richards et al. 2015 PMID: 25741868, with internal and published modifications).

NM_002226.5(JAG2):c.144C>T (p.Ala48=)

Gene: JAG2 (jagged canonical Notch ligand 2; minus strand). Cytogenetic location: 14q32.33.
Variant type: single nucleotide variant.
Coding change: c.144C>T on transcript NM_002226.5 (MANE Select); coding-DNA position 144, C replaced by T.
Protein change: p.Ala48=; no amino-acid change (alanine 48 retained).
Molecular consequence: synonymous variant.
Genome position (GRCh38, 1-based): chr14:105,168,030, G>A on the plus strand (C>T on the coding strand, the complement: JAG2 is on the minus strand). VCF-style: chr14-105168030-G-A. GRCh37 (hg19) VCF-style: chr14-105634367-G-A.
Other names: c.144C>T, p.Ala48= (NM_145159.3).
Identifiers: ClinVar variation 4982316 (VCV004982316.1).